The following is an entry in ClinVar:

NM_000264.5(PTCH1):c.173C>T (p.Ala58Val)

Gene: PTCH1 (patched 1; minus strand). Cytogenetic location: 9q22.32.
Variant type: single nucleotide variant.
Coding change: c.173C>T on transcript NM_000264.5 (MANE Select); coding-DNA position 173, C replaced by T.
Protein change: p.Ala58Val; replaces alanine 58 with valine.
Molecular consequence: missense variant. On other transcripts: non-coding transcript variant (1), intron variant (3).
Genome position (GRCh38, 1-based): chr9:95,508,189, G>A on the plus strand (C>T on the coding strand, the complement: PTCH1 is on the minus strand). VCF-style: chr9-95508189-G-A. GRCh37 (hg19) VCF-style: chr9-98270471-G-A.
Other names: c.173C>T, p.Ala58Val (NM_001354918.2); c.199-1590C>T (NM_001083603.3); c.4-1590C>T (NM_001083602.3, NM_001354919.2); short protein forms A58V.
Identifiers: ClinVar variation 658224 (VCV000658224.10), dbSNP rs1587700281, ClinGen allele CA374121294.

ClinVar aggregate classification (germline): Uncertain significance. Review status: criteria provided, multiple submitters, no conflicts (2 of 4 stars). 2 submissions from 2 submitters: Uncertain significance (2). Last evaluated 2024-08-05.

Conditions:
Hereditary cancer-predisposing syndrome. Also called: Neoplastic Syndromes, Hereditary; Hereditary neoplastic syndrome; Hereditary Cancer Syndrome; Tumor predisposition. Identifiers: Orphanet 140162, MedGen C0027672, MeSH D009386, MONDO:0015356.
Gorlin syndrome. Also called: Nevoid Basal Cell Carcinoma Syndrome; Basal cell nevus syndrome. Identifiers: Orphanet 377, MedGen C0004779, MONDO:0007187.

Submissions (2):

Ambry Genetics
Classification: Uncertain significance for Hereditary cancer-predisposing syndrome. Last evaluated: 2024-08-05. Review status: criteria provided, single submitter. Criteria: Ambry Variant Classification Scheme 2023. Collection method: clinical testing. Allele origin: germline.
Comment: The p.A58V variant (also known as c.173C>T), located in coding exon 1 of the PTCH1 gene, results from a C to T substitution at nucleotide position 173. The alanine at codon 58 is replaced by valine, an amino acid with similar properties. This amino acid position is highly conserved in available vertebrate species. In addition, the in silico prediction for this alteration is inconclusive. Based on the available evidence, the clinical significance of this variant remains unclear.

Labcorp Genetics (formerly Invitae), Labcorp
Classification: Uncertain significance for Gorlin syndrome. Last evaluated: 2022-12-14. Review status: criteria provided, single submitter. Criteria: Invitae Variant Classification Sherloc (09022015). Collection method: clinical testing. Allele origin: germline.
Comment: In summary, the available evidence is currently insufficient to determine the role of this variant in disease. Therefore, it has been classified as a Variant of Uncertain Significance. Advanced modeling of protein sequence and biophysical properties (such as structural, functional, and spatial information, amino acid conservation, physicochemical variation, residue mobility, and thermodynamic stability) has been performed at Invitae for this missense variant, however the output from this modeling did not meet the statistical confidence thresholds required to predict the impact of this variant on PTCH1 protein function. ClinVar contains an entry for this variant (Variation ID: 658224). This variant has not been reported in the literature in individuals affected with PTCH1-related conditions. This variant is not present in population databases (gnomAD no frequency). This sequence change replaces alanine, which is neutral and non-polar, with valine, which is neutral and non-polar, at codon 58 of the PTCH1 protein (p.Ala58Val).